The following is an entry in ClinVar:

ClinVar aggregate classification (germline): Likely benign (1 of 4 stars; one submission).

gnomAD v4.1: 73 of 1,612,608 alleles (0.0045%); highest among the groups gnomAD compares: Non-Finnish European, 0.0055%; no homozygotes.

Submission:

CeGaT Center for Human Genetics Tuebingen
Classification: Likely benign. Last evaluated: 2024-07-01. Review status: criteria provided, single submitter. Criteria: CeGaT Center For Human Genetics Tuebingen Variant Classification Criteria Version 2. Collection method: clinical testing. Allele origin: germline. Affected: yes. Observed: 1 variant allele.
Comment: IQSEC1: BP4, BP7

NM_001134382.3(IQSEC1):c.855G>A (p.Ser285=)

Gene: IQSEC1 (IQ motif and Sec7 domain ArfGEF 1; minus strand). Cytogenetic location: 3p25.2.
Variant type: single nucleotide variant.
Coding change: c.855G>A on transcript NM_001134382.3 (MANE Select); coding-DNA position 855, G replaced by A.
Protein change: p.Ser285=; no amino-acid change (serine 285 retained).
Molecular consequence: synonymous variant.
Genome position (GRCh38, 1-based): chr3:12,936,161, C>T on the plus strand (G>A on the coding strand, the complement: IQSEC1 is on the minus strand). VCF-style: chr3-12936161-C-T. GRCh37 (hg19) VCF-style: chr3-12977661-C-T.
Other names: c.531G>A, p.Ser177= (NM_001330619.3); c.1179G>A, p.Ser393= (NM_001376938.2); c.897G>A, p.Ser299= (NM_014869.8).
Identifiers: ClinVar variation 3257265 (VCV003257265.17).